The following is an entry in ClinVar:

NM_000368.5(TSC1):c.2922C>T (p.Leu974=)

Gene: TSC1 (TSC complex subunit 1; minus strand). Cytogenetic location: 9q34.13.
Variant type: single nucleotide variant.
Coding change: c.2922C>T on transcript NM_000368.5 (MANE Select); coding-DNA position 2922, C replaced by T.
Protein change: p.Leu974=; no amino-acid change (leucine 974 retained).
Molecular consequence: synonymous variant.
Genome position (GRCh38, 1-based): chr9:132,897,237, G>A on the plus strand (C>T on the coding strand, the complement: TSC1 is on the minus strand). VCF-style: chr9-132897237-G-A. GRCh37 (hg19) VCF-style: chr9-135772624-G-A.
Other names: c.2919C>T, p.Leu973= (NM_001162426.2); c.2769C>T, p.Leu923= (NM_001162427.2); c.2559C>T, p.Leu853= (NM_001362177.2).
Identifiers: ClinVar variation 184417 (VCV000184417.33), dbSNP rs769389702, ClinGen allele CA007094.

ClinVar aggregate classification (germline): Conflicting classifications of pathogenicity. Review status: criteria provided, conflicting classifications (1 of 4 stars). 14 submissions from 13 submitters: Uncertain significance (1); Benign (3); Likely benign (9). 1 of the submissions does not count toward it. Last evaluated 2026-01-21.

Conditions:
TSC1-related disorder. Also called: TSC1-related condition.
Hereditary cancer-predisposing syndrome. Also called: Tumor predisposition; Neoplastic Syndromes, Hereditary; Hereditary neoplastic syndrome; Hereditary Cancer Syndrome. Identifiers: Orphanet 140162, MedGen C0027672, MeSH D009386, MONDO:0015356.
Tuberous sclerosis 1 (TSC1). Identifiers: Orphanet 805, MedGen C1854465, MONDO:0008612, OMIM 191100.
Lymphangiomyomatosis (LAM). Also called: Lymphangioleiomyomatosis; Lymphangioleiomyomatosis, somatic. Identifiers: Orphanet 538, MedGen C0751674, MONDO:0011705, OMIM 606690.
Isolated focal cortical dysplasia type II (FCORD2). Also called: Focal cortical dysplasia type II; CORTICAL DYSPLASIA OF TAYLOR. Identifiers: Orphanet 268994, MedGen C1846385, MONDO:0011818, OMIM 607341, HP:0032051.
Tuberous sclerosis syndrome (TSC). Also called: Tuberous Sclerosis Complex; Tuberous sclerosis. Identifiers: Orphanet 805, MedGen C0041341, MONDO:0001734.

Allele frequency attached by ClinVar (database versions not stated): TOPMed 0.00002; gnomAD exomes 0.00003 and 0.00007; gnomAD 0.00004; ExAC 0.00002.
gnomAD v4.1: 110 of 1,613,950 alleles (0.0068%); highest among the groups gnomAD compares: Non-Finnish European, 0.0087%; no homozygotes.

Submissions (14):

Labcorp Genetics (formerly Invitae), Labcorp
Classification: Benign for Tuberous sclerosis 1. Last evaluated: 2026-01-21. Review status: criteria provided, single submitter. Criteria: Invitae Variant Classification Sherloc (09022015). Collection method: clinical testing. Allele origin: germline.

Myriad Genetics, Inc.
Classification: Benign for Tuberous sclerosis 1. Last evaluated: 2025-04-29. Review status: criteria provided, single submitter. Criteria: Myriad Autosomal Dominant, Autosomal Recessive and X-Linked Classification Criteria (2023). Collection method: clinical testing. Allele origin: unknown.
Comment: This variant is considered benign. This variant is a silent/synonymous amino acid change and it is not expected to impact splicing.

Women's Health and Genetics/Laboratory Corporation of America, LabCorp
Classification: Likely benign. Last evaluated: 2024-09-03. Review status: criteria provided, single submitter. Criteria: LabCorp Variant Classification Summary - May 2015. Collection method: clinical testing. Allele origin: germline.

Blueprint Genetics
Classification: Likely benign. Last evaluated: 2024-05-10. Review status: criteria provided, single submitter. Criteria: ACMG Guidelines, 2015. Collection method: clinical testing. Allele origin: germline.

All of Us Research Program, National Institutes of Health
Classification: Likely benign for Tuberous sclerosis syndrome. Last evaluated: 2024-02-05. Review status: criteria provided, single submitter. Criteria: ACMG Guidelines, 2015. Collection method: clinical testing. Allele origin: germline. Inheritance: Autosomal dominant inheritance. Observed: 20 variant alleles, 20 heterozygotes.
Comment: This study involves interpretation of variants in research participants for the purpose of population health screening. Participant phenotype was not available at the time of variant classification. Additional details can be found in publication PMID: 35346344, PMCID: PMC8962531

Department of Pathology and Laboratory Medicine, Sinai Health System
Classification: Likely benign for Tuberous sclerosis 1; Lymphangiomyomatosis; Isolated focal cortical dysplasia type II. Last evaluated: 2023-10-02. Review status: criteria provided, single submitter. Criteria: ACMG Guidelines, 2015. Collection method: clinical testing. Allele origin: germline. Affected: yes.

Color Diagnostics, LLC DBA Color Health
Classification: Likely benign for Tuberous sclerosis syndrome. Last evaluated: 2022-11-06. Review status: criteria provided, single submitter. Criteria: ACMG Guidelines, 2015. Collection method: clinical testing. Allele origin: germline.

Genome-Nilou Lab
Classification: Likely benign for Tuberous sclerosis 1. Last evaluated: 2021-11-07. Review status: criteria provided, single submitter. Criteria: ACMG Guidelines, 2015. Collection method: clinical testing. Allele origin: germline. Affected: no.

Sema4
Classification: Benign for Hereditary cancer-predisposing syndrome. Last evaluated: 2021-06-24. Review status: criteria provided, single submitter. Criteria: Sema4 Curation Guidelines. Collection method: curation. Allele origin: germline.

GeneDx
Classification: Likely benign. Last evaluated: 2019-09-10. Review status: criteria provided, single submitter. Criteria: GeneDx Variant Classification Process June 2021. Collection method: clinical testing. Allele origin: germline. Affected: yes.

Illumina Laboratory Services, Illumina
Classification: Uncertain significance for Tuberous sclerosis 1. Last evaluated: 2018-01-12. Review status: criteria provided, single submitter. Criteria: ICSL Variant Classification Criteria 13 December 2019. Collection method: clinical testing. Allele origin: germline.

Illumina Laboratory Services, Illumina
Classification: Likely benign for Isolated focal cortical dysplasia type II. Last evaluated: 2018-01-12. Review status: criteria provided, single submitter. Criteria: ICSL Variant Classification Criteria 13 December 2019. Collection method: clinical testing. Allele origin: germline.
Comment: This variant was observed in the ICSL laboratory as part of a predisposition screen in an ostensibly healthy population. It had not been previously curated by ICSL or reported in the Human Gene Mutation Database (HGMD: prior to June 1st, 2018), and was therefore a candidate for classification through an automated scoring system. Utilizing variant allele frequency, disease prevalence and penetrance estimates, and inheritance mode, an automated score was calculated to assess if this variant is too frequent to cause the disease. Based on the score and internal cut-off values, a variant classified as likely benign is not then subjected to further curation. The score for this variant resulted in a classification of likely benign for this disease.

Ambry Genetics
Classification: Likely benign for Hereditary cancer-predisposing syndrome. Last evaluated: 2014-10-25. Review status: criteria provided, single submitter. Criteria: Ambry Variant Classification Scheme 2023. Collection method: clinical testing. Allele origin: germline.

PreventionGenetics, part of Exact Sciences
Classification: Likely benign for TSC1-related condition. Last evaluated: 2022-04-08. Review status: no assertion criteria provided. Collection method: clinical testing. Allele origin: germline. Not counted in ClinVar's aggregate classification.
Comment: This variant is classified as likely benign based on ACMG/AMP sequence variant interpretation guidelines (Richards et al. 2015 PMID: 25741868, with internal and published modifications).